The following is an entry in ClinVar:

NM_020297.4(ABCC9):c.3079A>T (p.Thr1027Ser)

Gene: ABCC9 (ATP binding cassette subfamily C member 9; minus strand). Cytogenetic location: 12p12.1.
Variant type: single nucleotide variant.
Coding change: c.3079A>T on transcript NM_020297.4 (MANE Select); coding-DNA position 3079, A replaced by T.
Protein change: p.Thr1027Ser; replaces threonine 1027 with serine.
Molecular consequence: missense variant.
Genome position (GRCh38, 1-based): chr12:21,845,620, T>A on the plus strand (A>T on the coding strand, the complement: ABCC9 is on the minus strand). VCF-style: chr12-21845620-T-A. GRCh37 (hg19) VCF-style: chr12-21998554-T-A.
Other names: c.3079A>T, p.Thr1027Ser (NM_001377273.1, NM_005691.4); c.2212A>T, p.Thr738Ser (NM_001377274.1); short protein forms T1027S, T738S.
Identifiers: ClinVar variation 3626973 (VCV003626973.2).

ClinVar aggregate classification (germline): Uncertain significance (1 of 4 stars; one submission).

Conditions:
Dilated cardiomyopathy 1O (CMD1O). Also called: CARDIOMYOPATHY, DILATED, WITH VENTRICULAR TACHYCARDIA. Identifiers: Orphanet 154, MedGen C1837839, MONDO:0012062, OMIM 608569.

Submission:

Labcorp Genetics (formerly Invitae), Labcorp
Classification: Uncertain significance for Dilated cardiomyopathy 1O. Last evaluated: 2024-11-03. Review status: criteria provided, single submitter. Criteria: Invitae Variant Classification Sherloc (09022015). Collection method: clinical testing. Allele origin: germline.
Comment: This sequence change replaces threonine, which is neutral and polar, with serine, which is neutral and polar, at codon 1027 of the ABCC9 protein (p.Thr1027Ser). This variant is not present in population databases (gnomAD no frequency). This variant has not been reported in the literature in individuals affected with ABCC9-related conditions. Invitae Evidence Modeling of protein sequence and biophysical properties (such as structural, functional, and spatial information, amino acid conservation, physicochemical variation, residue mobility, and thermodynamic stability) indicates that this missense variant is not expected to disrupt ABCC9 protein function with a negative predictive value of 95%. In summary, the available evidence is currently insufficient to determine the role of this variant in disease. Therefore, it has been classified as a Variant of Uncertain Significance.